The following is an entry in ClinVar:

NM_000732.6(CD3D):c.382C>A (p.His128Asn)

Gene: CD3D (CD3 delta subunit of T-cell receptor complex; minus strand). Cytogenetic location: 11q23.3.
Variant type: single nucleotide variant.
Coding change: c.382C>A on transcript NM_000732.6 (MANE Select); coding-DNA position 382, C replaced by A.
Protein change: p.His128Asn; replaces histidine 128 with asparagine.
Molecular consequence: missense variant. On other transcripts: intron variant (1).
Genome position (GRCh38, 1-based): chr11:118,339,799, G>T on the plus strand (C>A on the coding strand, the complement: CD3D is on the minus strand). VCF-style: chr11-118339799-G-T. GRCh37 (hg19) VCF-style: chr11-118210514-G-T.
Other names: c.275-305C>A (NM_001040651.2); short protein forms H128N.
Identifiers: ClinVar variation 970636 (VCV000970636.8), dbSNP rs534530743, ClinGen allele CA6301926.
Genomic context (GRCh38, chr11:118,339,799, plus strand): 5'-CACAAACACACTCTCATGCTCTGCTCTTCCACTAACCCCCAGACAGCCTTCCAGTCTCAT[G>T]TCCAGCAAAGCAGAAGACTCCCAAAGCAAGGAGCAGAGTGGCAATGACATCAGTGACAAT-3'
Protein context (NP_000723.1, residues 118-138): LALGVFCFAG[His128Asn]ETGRLSGAAD

ClinVar aggregate classification (germline): Uncertain significance. Review status: criteria provided, multiple submitters, no conflicts (2 of 4 stars). 2 submissions from 2 submitters: Uncertain significance (2). Last evaluated 2024-09-11.

Conditions:
Inborn genetic diseases. Identifiers: MedGen C0950123, MeSH D030342.
Immunodeficiency 19 (IMD19). Also called: CD3-DELTA DEFICIENCY; IMMUNODEFICIENCY 19, SEVERE COMBINED; SEVERE COMBINED IMMUNODEFICIENCY, T CELL-NEGATIVE, B CELL-POSITIVE, NK CELL-POSITIVE; SCID, T CELL-NEGATIVE, B CELL-POSITIVE, NK CELL-POSITIVE. Identifiers: MedGen C3810147, MONDO:0014280, OMIM 615617.

Allele frequency attached by ClinVar (database versions not stated): gnomAD exomes below 0.00001 and 0.00001; gnomAD 0.00001; ExAC 0.00002; 1000 Genomes Project 30x 0.00031; 1000 Genomes Project 0.00040.
gnomAD v4.1: 6 of 1,613,472 alleles (0.00037%); highest among the groups gnomAD compares: South Asian, 0.0066%; 1 homozygote.

Submissions (2):

Ambry Genetics
Classification: Uncertain significance for Inborn genetic diseases. Last evaluated: 2024-09-11. Review status: criteria provided, single submitter. Criteria: Ambry Variant Classification Scheme 2023. Collection method: clinical testing. Allele origin: germline.

Labcorp Genetics (formerly Invitae), Labcorp
Classification: Uncertain significance for Immunodeficiency 19. Last evaluated: 2022-05-27. Review status: criteria provided, single submitter. Criteria: Invitae Variant Classification Sherloc (09022015). Collection method: clinical testing. Allele origin: germline.
Comment: This sequence change replaces histidine, which is basic and polar, with asparagine, which is neutral and polar, at codon 128 of the CD3D protein (p.His128Asn). This variant is present in population databases (rs534530743, gnomAD 0.003%). This variant has not been reported in the literature in individuals affected with CD3D-related conditions. ClinVar contains an entry for this variant (Variation ID: 970636). Algorithms developed to predict the effect of missense changes on protein structure and function are either unavailable or do not agree on the potential impact of this missense change (SIFT: "Tolerated"; PolyPhen-2: "Probably Damaging"; Align-GVGD: "Class C0"). In summary, the available evidence is currently insufficient to determine the role of this variant in disease. Therefore, it has been classified as a Variant of Uncertain Significance.